The following is an entry in ClinVar:

ClinVar aggregate classification (germline): Uncertain significance (1 of 4 stars; one submission).

Conditions:
Hereditary cancer-predisposing syndrome. Also called: Neoplastic Syndromes, Hereditary; Tumor predisposition; Hereditary Cancer Syndrome; Hereditary neoplastic syndrome. Identifiers: Orphanet 140162, MedGen C0027672, MeSH D009386, MONDO:0015356.

Submission:

Ambry Genetics
Classification: Uncertain significance for Hereditary cancer-predisposing syndrome. Last evaluated: 2025-07-03. Review status: criteria provided, single submitter. Criteria: Ambry Variant Classification Scheme 2023. Collection method: clinical testing. Allele origin: germline.
Comment: The p.E227V variant (also known as c.680A>T), located in coding exon 9 of the BRCA1 gene, results from an A to T substitution at nucleotide position 680. The glutamic acid at codon 227 is replaced by valine, an amino acid with dissimilar properties. This amino acid position is conserved. In addition, this alteration is predicted to be deleterious by in silico analysis. Based on the available evidence, the clinical significance of this variant remains unclear.

NM_007294.4(BRCA1):c.680A>T (p.Glu227Val)

Gene: BRCA1 (BRCA1 DNA repair associated; minus strand). Cytogenetic location: 17q21.31.
Variant type: single nucleotide variant.
Coding change: c.680A>T on transcript NM_007294.4 (MANE Select); coding-DNA position 680, A replaced by T.
Protein change: p.Glu227Val; replaces glutamic acid 227 with valine.
Molecular consequence: missense variant. On other transcripts: intron variant (13), 5 prime UTR variant (2).
Genome position (GRCh38, 1-based): chr17:43,094,851, T>A on the plus strand (A>T on the coding strand, the complement: BRCA1 is on the minus strand). VCF-style: chr17-43094851-T-A. GRCh37 (hg19) VCF-style: chr17-41246868-T-A.
Other names: c.299A>T, p.Glu100Val (NM_001408510.1, NM_001407959.1, NM_001407960.1 and 1 more transcripts); c.176A>T, p.Glu59Val (NM_001408512.1, NM_001407965.1); c.470A>T, p.Glu157Val (NM_001408513.1, NM_001408514.1, NM_001407889.1 and 25 more transcripts); c.680A>T, p.Glu227Val (NM_001407594.1, NM_001407596.1, NM_001407597.1 and 53 more transcripts); c.677A>T, p.Glu226Val (NM_001407610.1, NM_001407611.1, NM_001407612.1 and 38 more transcripts); c.671A>T, p.Glu224Val (NM_001407646.1, NM_001407647.1, NM_001408408.1); c.557A>T, p.Glu186Val (NM_001407648.1, NM_001407664.1, NM_001407665.1 and 34 more transcripts); c.554A>T, p.Glu185Val (NM_001407649.1, NM_001407670.1, NM_001407671.1 and 20 more transcripts); and 20 more; short protein forms E100V, E139V, E156V, E159V, E182V, E224V, E59V, E99V.
Identifiers: ClinVar variation 4215077 (VCV004215077.1).
Genomic context (GRCh38, chr17:43,094,851, plus strand): 5'-TTCAAATCATTATTACTGGGTTGATGATGTTCAGTATTTGTTACATCCGTCTCAGAAAAT[T>A]CACAAGCAGCTGAAAATATACAAAAATAACAAGGTACTCAAAAACTGAATTGTCATTAAA-3'
Protein context (NP_009225.1, residues 217-237): SLDSAKKAAC[Glu227Val]FSETDVTNTE